The following is an entry in ClinVar:

NM_000051.4(ATM):c.6812C>G (p.Pro2271Arg)

Genes: ATM (ATM serine/threonine kinase; plus strand), C11orf65 (chromosome 11 open reading frame 65; minus strand). Cytogenetic location: 11q22.3.
Variant type: single nucleotide variant.
Coding change: c.6812C>G on transcript NM_000051.4 (MANE Select); coding-DNA position 6812, C replaced by G.
Protein change: p.Pro2271Arg; replaces proline 2271 with arginine.
Molecular consequence: missense variant. On other transcripts: intron variant (2).
Genome position (GRCh38, 1-based): chr11:108,326,062, C>G. VCF-style: chr11-108326062-C-G. GRCh37 (hg19) VCF-style: chr11-108196789-C-G.
Other names: c.6812C>G, p.Pro2271Arg (NM_001351834.2); c.641-16991G>C (NM_001330368.2); c.*38+9158G>C (NM_001351110.2); short protein forms P2271R.
Identifiers: ClinVar variation 1755583 (VCV001755583.2), dbSNP rs2136331132, ClinGen allele CA382556444.

ClinVar aggregate classification (germline): Uncertain significance (1 of 4 stars; one submission).

Conditions:
Hereditary cancer-predisposing syndrome. Also called: Hereditary neoplastic syndrome; Neoplastic Syndromes, Hereditary; Tumor predisposition; Hereditary Cancer Syndrome. Identifiers: Orphanet 140162, MedGen C0027672, MeSH D009386, MONDO:0015356.

Submission:

Ambry Genetics
Classification: Uncertain significance for Hereditary cancer-predisposing syndrome. Last evaluated: 2021-06-16. Review status: criteria provided, single submitter. Criteria: Ambry Variant Classification Scheme 2023. Collection method: clinical testing. Allele origin: germline.
Comment: The p.P2271R variant (also known as c.6812C>G), located in coding exon 46 of the ATM gene, results from a C to G substitution at nucleotide position 6812. The proline at codon 2271 is replaced by arginine, an amino acid with dissimilar properties. This amino acid position is well conserved in available vertebrate species. In addition, the in silico prediction for this alteration is inconclusive. Since supporting evidence is limited at this time, the clinical significance of this alteration remains unclear.